The following is an entry in ClinVar:

NM_174936.4(PCSK9):c.1978G>A (p.Asp660Asn)

Gene: PCSK9 (proprotein convertase subtilisin/kexin type 9; plus strand). Cytogenetic location: 1p32.3.
Variant type: single nucleotide variant.
Coding change: c.1978G>A on transcript NM_174936.4 (MANE Select); coding-DNA position 1978, G replaced by A.
Protein change: p.Asp660Asn; replaces aspartic acid 660 with asparagine.
Molecular consequence: missense variant.
Genome position (GRCh38, 1-based): chr1:55,063,483, G>A. VCF-style: chr1-55063483-G-A. GRCh37 (hg19) VCF-style: chr1-55529156-G-A.
Other names: c.2101G>A, p.Asp701Asn (NM_001407240.1); c.2020G>A, p.Asp674Asn (NM_001407241.1); c.1981G>A, p.Asp661Asn (NM_001407242.1); c.1921G>A, p.Asp641Asn (NM_001407243.1); c.1804G>A, p.Asp602Asn (NM_001407244.1); c.1786G>A, p.Asp596Asn (NM_001407245.1); c.1603G>A, p.Asp535Asn (NM_001407246.1); c.1477G>A, p.Asp493Asn (NM_001407247.1); short protein forms D660N, D674N, D602N, D661N, D641N, D493N, D535N, D596N.
Identifiers: ClinVar variation 297706 (VCV000297706.13), dbSNP rs72646530, ClinGen allele CA040073.

ClinVar aggregate classification (germline): Uncertain significance. Review status: criteria provided, multiple submitters, no conflicts (2 of 4 stars). 5 submissions from 4 submitters: Uncertain significance (5). Last evaluated 2021-08-30.

Conditions:
Familial hypercholesterolemia. Also called: Familial hypercholesterolemias; Familial hypercholesterolaemia. Identifiers: MedGen C0020445, MONDO:0005439.
Hypobetalipoproteinemia. Identifiers: Orphanet 31154, MedGen C0020597, MONDO:0017774.
Hypercholesterolemia, autosomal dominant, 3 (FHCL3). Also called: PCSK9-Related Familial Hypercholesterolemia, Autosomal Dominant; Familial hypercholesterolemia 3; Familial Hypercholesterolemia, Autosomal Dominant, 3. Identifiers: MedGen C1863551, MONDO:0011369, OMIM 603776.

Allele frequency attached by ClinVar (database versions not stated): gnomAD exomes below 0.00001; TOPMed below 0.00001; ExAC 0.00001.
gnomAD v4.1: 6 of 1,613,986 alleles (0.00037%); highest among the groups gnomAD compares: Middle Eastern, 0.05%; no homozygotes.

Submissions (5):

Labcorp Genetics (formerly Invitae), Labcorp
Classification: Uncertain significance for Hypercholesterolemia, autosomal dominant, 3. Last evaluated: 2021-08-30. Review status: criteria provided, single submitter. Criteria: Invitae Variant Classification Sherloc (09022015). Collection method: clinical testing. Allele origin: germline.
Comment: This sequence change replaces aspartic acid with asparagine at codon 660 of the PCSK9 protein (p.Asp660Asn). The aspartic acid residue is weakly conserved and there is a small physicochemical difference between aspartic acid and asparagine. This variant is present in population databases (rs72646530, ExAC 0.002%). This variant has not been reported in the literature in individuals affected with PCSK9-related conditions. ClinVar contains an entry for this variant (Variation ID: 297706). Algorithms developed to predict the effect of missense changes on protein structure and function are either unavailable or do not agree on the potential impact of this missense change (SIFT: "Deleterious"; PolyPhen-2: "Benign"; Align-GVGD: "Class C0"). In summary, the available evidence is currently insufficient to determine the role of this variant in disease. Therefore, it has been classified as a Variant of Uncertain Significance.

Color Diagnostics, LLC DBA Color Health
Classification: Uncertain significance for Familial hypercholesterolemias. Last evaluated: 2018-10-18. Review status: criteria provided, single submitter. Criteria: ACMG Guidelines, 2015. Collection method: clinical testing. Allele origin: germline.
Comment: Variant of Uncertain Significance due to insufficient evidence: This missense variant is located in the C-terminal CM3 domain of the PCSK9 protein. Computational prediction tools and conservation analyses are inconclusive regarding the impact of this variant on the protein function. Computational splicing tools suggest that this variant may not impact RNA splicing. An experimental functional study has shown that this variant may increase proteolytic activity of the PCSK9 protein (PMID: 29259136) and may impact lipid homeostasis. This variant has not been reported in individuals affected with familial hypercholesterolemia in the literature. This variant has been identified in 1/245882 chromosomes in the general population by the Genome Aggregation Database (gnomAD). Available evidence is insufficient to determine the pathogenicity of this variant conclusively.

Illumina Laboratory Services, Illumina
Classification: Uncertain significance for Hypercholesterolemia, autosomal dominant, 3. Last evaluated: 2018-01-13. Review status: criteria provided, single submitter. Criteria: ICSL Variant Classification Criteria 13 December 2019. Collection method: clinical testing. Allele origin: germline.

Illumina Laboratory Services, Illumina
Classification: Uncertain significance for Hypobetalipoproteinemia. Last evaluated: 2018-01-13. Review status: criteria provided, single submitter. Criteria: ICSL Variant Classification Criteria 13 December 2019. Collection method: clinical testing. Allele origin: germline.

Centre de Génétique Moléculaire et Chromosomique, Unité de génétique de l'Obésité et des Dyslipidémies, APHP, GH Hôpitaux Universitaires Pitié-Salpêtrière / Charles-Foix
Classification: Uncertain significance for Hypercholesterolemia, autosomal dominant, 3. Last evaluated: 2016-12-16. Review status: criteria provided, single submitter. Criteria: ACMG Guidelines, 2015. Collection method: clinical testing. Allele origin: germline. Affected: yes.
Comment: subject mutated among 2600 FH index cases screened = 1, family member = 1 / Software predictions: Conflicting